The following is an entry in ClinVar:

NM_001868.4(CPA1):c.655A>T (p.Ile219Phe)

Gene: CPA1 (carboxypeptidase A1; plus strand). Cytogenetic location: 7q32.2.
Variant type: single nucleotide variant.
Coding change: c.655A>T on transcript NM_001868.4 (MANE Select); coding-DNA position 655, A replaced by T.
Protein change: p.Ile219Phe; replaces isoleucine 219 with phenylalanine.
Molecular consequence: missense variant.
Genome position (GRCh38, 1-based): chr7:130,383,753, A>T. VCF-style: chr7-130383753-A-T. GRCh37 (hg19) VCF-style: chr7-130023594-A-T.
Other names: short protein forms I219F.
Identifiers: ClinVar variation 1754183 (VCV001754183.5), dbSNP rs1796437124, ClinGen allele CA369282778.

ClinVar aggregate classification (germline): Uncertain significance. Review status: criteria provided, multiple submitters, no conflicts (2 of 4 stars). 2 submissions from 2 submitters: Uncertain significance (2). Last evaluated 2023-12-14.

Conditions:
Hereditary pancreatitis (PCTT). Also called: Hereditary chronic pancreatitis; PRSS1-Related Hereditary Pancreatitis. Identifiers: Orphanet 676, MedGen C0238339, MONDO:0008185, OMIM 167800.

Allele frequency attached by ClinVar (database versions not stated): gnomAD exomes below 0.00001; gnomAD 0.00001; TOPMed 0.00001.
gnomAD v4.1: 3 of 1,614,024 alleles (0.00019%); highest among the groups gnomAD compares: African/African-American, 0.0013%; no homozygotes.

Submissions (2):

Ambry Genetics
Classification: Uncertain significance for Hereditary pancreatitis. Last evaluated: 2023-12-14. Review status: criteria provided, single submitter. Criteria: Ambry Variant Classification Scheme 2023. Collection method: clinical testing. Allele origin: germline.
Comment: The p.I219F variant (also known as c.655A>T), located in coding exon 6 of the CPA1 gene, results from an A to T substitution at nucleotide position 655. The isoleucine at codon 219 is replaced by phenylalanine, an amino acid with highly similar properties. This amino acid position is conserved. In addition, the in silico prediction for this alteration is inconclusive. Since supporting evidence is limited at this time, the clinical significance of this alteration remains unclear.

Labcorp Genetics (formerly Invitae), Labcorp
Classification: Uncertain significance. Last evaluated: 2023-02-20. Review status: criteria provided, single submitter. Criteria: Invitae Variant Classification Sherloc (09022015). Collection method: clinical testing. Allele origin: germline.
Comment: This sequence change replaces isoleucine, which is neutral and non-polar, with phenylalanine, which is neutral and non-polar, at codon 219 of the CPA1 protein (p.Ile219Phe). Advanced modeling of protein sequence and biophysical properties (such as structural, functional, and spatial information, amino acid conservation, physicochemical variation, residue mobility, and thermodynamic stability) performed at Invitae indicates that this missense variant is not expected to disrupt CPA1 protein function. In summary, the available evidence is currently insufficient to determine the role of this variant in disease. Therefore, it has been classified as a Variant of Uncertain Significance. This variant is not present in population databases (gnomAD no frequency). This variant has not been reported in the literature in individuals affected with CPA1-related conditions. ClinVar contains an entry for this variant (Variation ID: 1754183).